The following is an entry in ClinVar:

NM_000038.6(APC):c.379A>G (p.Ser127Gly)

Gene: APC (APC regulator of Wnt signaling pathway; plus strand). Cytogenetic location: 5q22.2.
Variant type: single nucleotide variant.
Coding change: c.379A>G on transcript NM_000038.6 (MANE Select); coding-DNA position 379, A replaced by G.
Protein change: p.Ser127Gly; replaces serine 127 with glycine.
Molecular consequence: missense variant. On other transcripts: 5 prime UTR variant (1).
Genome position (GRCh38, 1-based): chr5:112,767,347, A>G. VCF-style: chr5-112767347-A-G. GRCh37 (hg19) VCF-style: chr5-112103044-A-G.
Other names: c.379A>G (LRG_130t1); c.379A>G, p.Ser127Gly (NM_001127510.3, NM_001354895.2, NM_001354896.2 and 2 more transcripts); c.409A>G, p.Ser137Gly (NM_001127511.3, NM_001354897.2, NM_001354902.2); c.304A>G, p.Ser102Gly (NM_001354898.2, NM_001354904.2); c.202A>G, p.Ser68Gly (NM_001354900.2, NM_001354901.2, NM_001354905.2); c.-657A>G (NM_001354906.2); short protein forms S127G, S137G, S102G, S68G.
Identifiers: ClinVar variation 41504 (VCV000041504.70), dbSNP rs200089324, ClinGen allele CA008675.
Genomic context (GRCh38, chr5:112,767,347, plus strand): 5'-TCTGGAGAGTGCAGTCCTGTTCCTATGGGTTCATTTCCAAGAAGAGGGTTTGTAAATGGA[A>G]GCAGAGAAAGTACTGGATATTTAGAAGAACTTGAGAAAGAGAGGTAACTTTTCTTCATAT-3'
Protein context (NP_000029.2, residues 117-137): SFPRRGFVNG[Ser127Gly]RESTGYLEEL

ClinVar aggregate classification (germline): Conflicting classifications of pathogenicity. Review status: criteria provided, conflicting classifications (1 of 4 stars). 13 submissions from 13 submitters: Uncertain significance (10); Likely benign (1). 2 of the submissions do not count toward it. Last evaluated 2025-12-08.

Conditions:
Classic or attenuated familial adenomatous polyposis. Identifiers: MedGen CN372698, MONDO:0021057.
APC-related disorder. Also called: APC-related condition.
Hereditary cancer-predisposing syndrome. Also called: Tumor predisposition; Neoplastic Syndromes, Hereditary; Hereditary Cancer Syndrome; Hereditary neoplastic syndrome. Identifiers: Orphanet 140162, MedGen C0027672, MeSH D009386, MONDO:0015356.
Familial adenomatous polyposis 1 (FAP1). Also called: FAMILIAL ADENOMATOUS POLYPOSIS 1, ATTENUATED; POLYPOSIS, ADENOMATOUS INTESTINAL. Identifiers: MedGen C2713442, MONDO:0021056, OMIM 175100. Disease mechanism: loss of function.

Allele frequency attached by ClinVar (database versions not stated): gnomAD 0.00003; gnomAD exomes 0.00003 and 0.00001; ExAC 0.00002; TOPMed 0.00002.
gnomAD v4.1: 26 of 1,614,056 alleles (0.0016%); highest among the groups gnomAD compares: Non-Finnish European, 0.0021%; no homozygotes.

Submissions (13):

PreventionGenetics, part of Exact Sciences
Classification: Uncertain significance for APC-related condition. Last evaluated: 2025-12-08. Review status: criteria provided, single submitter. Criteria: ACMG Guidelines, 2015. Collection method: clinical testing. Allele origin: germline.
Comment: The APC c.379A>G variant is predicted to result in the amino acid substitution p.Ser127Gly. This variant was reported in individuals with adenomatous polyposis coli (Kohoutova et al 2002. PubMed ID: 11933206; Minde DP et al 2011. PubMed ID: 21859464; Johnston JJ et al 2012. PubMed ID: 22703879). This variant is reported in 0.0062% of alleles in individuals of European (Non-Finnish) descent in gnomAD and has conflicting interpretations in ClinVar ranging from likely benign to uncertain (Variation ID: 41504). At this time, the clinical significance of this variant is uncertain due to the absence of conclusive functional and genetic evidence.

GeneDx
Classification: Uncertain significance. Last evaluated: 2025-09-25. Review status: criteria provided, single submitter. Criteria: GeneDx Variant Classification Process June 2021. Collection method: clinical testing. Allele origin: germline. Affected: yes.
Comment: In silico analysis suggests that this missense variant does not alter protein structure/function; Observed in individuals with polyposis (PMID: 11933206, 23159591); This variant is associated with the following publications: (PMID: 22703879, 11933206, 21859464, 23159591, 15024739, 31372739)

Labcorp Genetics (formerly Invitae), Labcorp
Classification: Uncertain significance for Familial adenomatous polyposis 1. Last evaluated: 2025-01-26. Review status: criteria provided, single submitter. Criteria: Invitae Variant Classification Sherloc (09022015). Collection method: clinical testing. Allele origin: germline.
Comment: This sequence change replaces serine, which is neutral and polar, with glycine, which is neutral and non-polar, at codon 127 of the APC protein (p.Ser127Gly). This variant is present in population databases (rs200089324, gnomAD 0.005%). This missense change has been observed in individual(s) with adenomatous polyposis and/or APC-related conditions (PMID: 11933206, 21859464, 23159591, 31372739). ClinVar contains an entry for this variant (Variation ID: 41504). Invitae Evidence Modeling of protein sequence and biophysical properties (such as structural, functional, and spatial information, amino acid conservation, physicochemical variation, residue mobility, and thermodynamic stability) indicates that this missense variant is not expected to disrupt APC protein function with a negative predictive value of 95%. In summary, the available evidence is currently insufficient to determine the role of this variant in disease. Therefore, it has been classified as a Variant of Uncertain Significance.

Color Diagnostics, LLC DBA Color Health
Classification: Uncertain significance for Hereditary cancer-predisposing syndrome. Last evaluated: 2024-06-12. Review status: criteria provided, single submitter. Criteria: ACMG Guidelines, 2015. Collection method: clinical testing. Allele origin: germline.
Comment: This missense variant replaces serine with glycine at codon 127 of the APC protein. Computational prediction suggests that this variant may not impact protein structure and function (internally defined REVEL score threshold <= 0.5, PMID: 27666373). To our knowledge, functional studies have not been performed for this variant. This variant has been reported in individuals affected with or suspected of having adenomatous polyposis (PMID: 11933206, 21859464, 23159591) and in an individual affected with clear cell adenocarcinoma of the urinary tract (PMID: 31372739). This variant has been identified in 8/282856 chromosomes in the general population by the Genome Aggregation Database (gnomAD). The available evidence is insufficient to determine the role of this variant in disease conclusively. Therefore, this variant is classified as a Variant of Uncertain Significance.

All of Us Research Program, National Institutes of Health
Classification: Uncertain significance for Classic or attenuated familial adenomatous polyposis. Last evaluated: 2024-05-14. Review status: criteria provided, single submitter. Criteria: ACMG Guidelines, 2015. Collection method: clinical testing. Allele origin: germline. Inheritance: Autosomal dominant inheritance. Observed: 6 variant alleles, 6 heterozygotes.
Comment: This missense variant replaces serine with glycine at codon 127 of the APC protein. Computational prediction suggests that this variant may not impact protein structure and function (internally defined REVEL score threshold <= 0.5, PMID: 27666373). Splice site prediction tools suggest that this variant may not impact RNA splicing. To our knowledge, functional studies have not been performed for this variant. This variant has been reported in individuals affected with or suspected of having adenomatous polyposis (PMID: 11933206, 21859464, 23159591) and in an individual affected with clear cell adenocarcinoma of the urinary tract (PMID: 31372739). This variant has been identified in 8/282856 chromosomes in the general population by the Genome Aggregation Database (gnomAD). The available evidence is insufficient to determine the role of this variant in disease conclusively. Therefore, this variant is classified as a Variant of Uncertain Significance.

This study involves interpretation of variants in research participants for the purpose of population health screening. Participant phenotype was not available at the time of variant classification. Additional details can be found in publication PMID: 35346344, PMCID: PMC8962531

Baylor Genetics
Classification: Uncertain significance for Familial adenomatous polyposis 1. Last evaluated: 2024-03-24. Review status: criteria provided, single submitter. Criteria: ACMG Guidelines, 2015. Collection method: clinical testing. Allele origin: unknown.

CeGaT Center for Human Genetics Tuebingen
Classification: Uncertain significance. Last evaluated: 2023-11-01. Review status: criteria provided, single submitter. Criteria: CeGaT Center For Human Genetics Tuebingen Variant Classification Criteria Version 2. Collection method: clinical testing. Allele origin: germline. Affected: yes. Observed: 2 variant alleles.

Myriad Genetics, Inc.
Classification: Uncertain significance for Familial adenomatous polyposis 1. Last evaluated: 2023-02-23. Review status: criteria provided, single submitter. Criteria: Myriad Autosomal Dominant, Autosomal Recessive and X-Linked Classification Criteria (2023). Collection method: clinical testing. Allele origin: unknown.
Comment: This variant is classified as a variant of uncertain significance as there is insufficient evidence to determine its impact on protein function and/or cancer risk.

Women's Health and Genetics/Laboratory Corporation of America, LabCorp
Classification: Uncertain significance. Last evaluated: 2023-02-20. Review status: criteria provided, single submitter. Criteria: LabCorp Variant Classification Summary - May 2015. Collection method: clinical testing. Allele origin: germline.
Comment: Variant summary: APC c.379A>G (p.Ser127Gly) results in a non-conservative amino acid change in the encoded protein sequence. Four of five in-silico tools predict a benign effect of the variant on protein function. The variant allele was found at a frequency of 2.8e-05 in 251460 control chromosomes. The available data on variant occurrences in the general population are insufficient to allow any conclusion about variant significance. c.379A>G has been reported in the literature in at least one individual affected with Familial Adenomatous Polyposis, without strong evidence for causality (Kohoutov_2002, Vandrovcov_2004, Kerr_2013). These reports do not provide unequivocal conclusions about association of the variant with Familial Adenomatous Polyposis. To our knowledge, no experimental evidence demonstrating an impact on protein function has been reported. Seven clinical diagnostic laboratories have submitted clinical-significance assessments for this variant to ClinVar after 2014 without evidence for independent evaluation. Six submitters classified the variant as VUS while one classified as likely benign. Based on the evidence outlined above, the variant was classified as uncertain significance.

Ambry Genetics
Classification: Likely benign for Hereditary cancer-predisposing syndrome. Last evaluated: 2021-07-28. Review status: criteria provided, single submitter. Criteria: Ambry Variant Classification Scheme 2023. Collection method: clinical testing. Allele origin: germline.

Sema4
Classification: Uncertain significance for Hereditary cancer-predisposing syndrome. Last evaluated: 2021-04-21. Review status: criteria provided, single submitter. Criteria: Sema4 Curation Guidelines. Collection method: curation. Allele origin: germline.
Comment: The APC c.379A>G (p.S127G) variant has been reported in at least two individuals with or suspected to have familial adenomatous polyposis (PMID: 11933206, 15024739, 23159591). It was also identified as a secondary finding in an individual undergoing exome sequencing for a non-cancer indication (PMID: 22703879). It was observed in 8/129168 chromosomes of the Non-Finnish European subpopulation in the large and broad cohorts of the Genome Aggregation Database (PMID: 32461654). This variant has been reported in ClinVar (Variation ID 41504). In silico tools suggest the impact of the variant on protein function is inconclusive, though these predictions have not been confirmed by functional studies. The evidence is insufficient to meet ACMG/AMP criteria for classifying the variant as benign or pathogenic. Thus, the clinical significance of this variant is currently uncertain.

Counsyl
Classification: Uncertain significance for Familial adenomatous polyposis 1. Last evaluated: 2016-07-25. Review status: no assertion criteria provided. Collection method: clinical testing. Allele origin: unknown. Not counted in ClinVar's aggregate classification.

Biesecker Lab/Clinical Genomics Section, National Institutes of Health
Classification: Uncertain significance. Last evaluated: 2012-07-13. Review status: no assertion criteria provided. Collection method: research. Allele origin: germline. Affected: no. Observed: 1 variant allele. Study: ClinSeq. Not counted in ClinVar's aggregate classification.
ClinVar note: Converted during submission from variant of unknown significance to Uncertain significance.

Literature cited by the submitters: PubMed 11933206 (cited by 6 submitters); PubMed 21859464 (cited by 4 submitters); PubMed 23159591 (cited by 7 submitters); PubMed 31372739 (cited by 3 submitters); PubMed 15024739 (cited by 4 submitters).